The following is an entry in ClinVar:

ClinVar aggregate classification (germline): Likely pathogenic (1 of 4 stars; one submission).

Submission:

GeneDx
Classification: Likely pathogenic. Last evaluated: 2026-04-04. Review status: criteria provided, single submitter. Criteria: GeneDx Variant Classification Process June 2021. Collection method: clinical testing. Allele origin: germline.
Comment: Frameshift variant predicted to result in protein truncation or nonsense mediated decay in a gene for which loss of function is a known mechanism of disease; Not observed at significant frequency in large population cohorts (gnomAD); Has not been previously published as pathogenic or benign to our knowledge

NM_021942.6(TRAPPC11):c.1235_1239del (p.Glu412fs)

Gene: TRAPPC11 (trafficking protein particle complex subunit 11; plus strand). Cytogenetic location: 4q35.1.
Variant type: Microsatellite.
Coding change: c.1235_1239del on transcript NM_021942.6 (MANE Select); coding-DNA positions 1235 to 1239, 5 bases deleted (AAAAG; older notation c.1235_1239delAAAAG).
Protein change: p.Glu412fs; shifts the reading frame from glutamic acid 412.
Molecular consequence: frameshift variant.
Genome position (GRCh38, 1-based): chr4:183,684,002-183,684,006, AAAAG deleted; deleting any 5 consecutive bases within chr4:183,683,997-183,684,006 gives the same sequence; the c. name uses the placement nearest the transcript's 3' end. VCF-style (leftmost placement, unchanged base first): chr4-183683996-AAAAAG-A. GRCh37 (hg19) VCF-style: chr4-184605149-AAAAAG-A.
Other names: c.1235_1239del, p.Glu412fs (NM_199053.3); short protein forms E412fs.
Identifiers: ClinVar variation 5016724 (VCV005016724.1).